The following is an entry in ClinVar:

ClinVar aggregate classification (germline): Pathogenic/Likely pathogenic. Review status: criteria provided, multiple submitters, no conflicts (2 of 4 stars). 8 submissions from 8 submitters: Pathogenic (5); Likely pathogenic (3). Last evaluated 2025-04-11.

Conditions:
Abnormality of the skin. Identifiers: MedGen C5848159, HP:0000951.
TYR-related disorder. Also called: TYR-related condition.
Oculocutaneous albinism type 1A (OCA1A). Also called: Albinism, oculocutaneous, type IA. Identifiers: Orphanet 352731, Orphanet 79431, MedGen C4551504, MONDO:0008745, OMIM 203100. Disease mechanism: loss of function.
Oculocutaneous albinism type 1B (OCA1B). Also called: ALBINISM, OCULOCUTANEOUS, TYPE IB; ALBINISM, YELLOW MUTANT TYPE; YELLOW ALBINISM. Identifiers: Orphanet 352731, Orphanet 352737, Orphanet 79434, MedGen C1847024, MONDO:0011749, OMIM 606952.
SKIN/HAIR/EYE PIGMENTATION 3, LIGHT/DARK SKIN (SHEP3). Also called: EYE COLOR 1; EYE COLOR, GREEN/BLUE; SKIN/HAIR/EYE PIGMENTATION, VARIATION IN, 3; SKIN/HAIR/EYE PIGMENTATION 3, BLUE/GREEN EYE COLOR; SKIN/HAIR/EYE PIGMENTATION 3, FRECKLING. Identifiers: MedGen C2677190, OMIM 601800.

Allele frequency attached by ClinVar (database versions not stated): gnomAD exomes below 0.00001.

Submissions (8):

First Genomix Gene Laboratory, Genetic Diagnostics Department
Classification: Pathogenic for Oculocutaneous albinism type 1A; Oculocutaneous albinism type 1B. Last evaluated: 2025-04-11. Review status: criteria provided, single submitter. Criteria: ACMG Guidelines, 2015. Collection method: clinical testing. Allele origin: germline. Inheritance: Autosomal recessive inheritance. Affected: no. Observed: 1 variant allele.

Laboratory of Genetic Epidemiology, Research Centre for Medical Genetics
Classification: Likely pathogenic for Oculocutaneous albinism type 1A; Oculocutaneous albinism type 1B. Last evaluated: 2025-01-01. Review status: criteria provided, single submitter. Criteria: ACMG Guidelines, 2015. Collection method: clinical testing. Allele origin: biparental. Inheritance: Autosomal recessive inheritance. Affected: yes. Observed: 1 homozygote.
Comment: This variant has been previously reported in the literature (PMIDs: 19060277, 25216246, 26167114, 30472657) and is not listed in gnomAD v3.1.2. Another missense variant at this position NM_000372.5:c.995T>C, p.(M332T) has been reported. The affected amino acid position is evolutionarily conserved, and multiple in silico prediction tools support a deleterious effect. Taken together, the variant meets the following ACMG/AMP criteria and can be classified as likely pathogenic with PM2, PM5, PP3, PM3, PP4 criteria.

Labcorp Genetics (formerly Invitae), Labcorp
Classification: Pathogenic. Last evaluated: 2024-11-11. Review status: criteria provided, single submitter. Criteria: Invitae Variant Classification Sherloc (09022015). Collection method: clinical testing. Allele origin: germline.
Comment: This sequence change replaces methionine, which is neutral and non-polar, with isoleucine, which is neutral and non-polar, at codon 332 of the TYR protein (p.Met332Ile). This variant is not present in population databases (gnomAD no frequency). This missense change has been observed in individual(s) with ocular albinism and/or oculocutaneous albinism type 1 (PMID: 19060277, 25216246, 26167114, 30472657). In at least one individual the data is consistent with being in trans (on the opposite chromosome) from a pathogenic variant. ClinVar contains an entry for this variant (Variation ID: 1180809). Invitae Evidence Modeling of protein sequence and biophysical properties (such as structural, functional, and spatial information, amino acid conservation, physicochemical variation, residue mobility, and thermodynamic stability) indicates that this missense variant is expected to disrupt TYR protein function with a positive predictive value of 95%. For these reasons, this variant has been classified as Pathogenic.

Blueprint Genetics
Classification: Pathogenic for TYR-related disorders. Last evaluated: 2024-01-09. Review status: criteria provided, single submitter. Criteria: ACMG Guidelines, 2015. Collection method: clinical testing. Allele origin: germline. Affected: yes. Observed: 1 variant allele.

Baylor Genetics
Classification: Pathogenic for SKIN/HAIR/EYE PIGMENTATION 3, LIGHT/DARK SKIN. Last evaluated: 2023-12-21. Review status: criteria provided, single submitter. Criteria: ACMG Guidelines, 2015. Collection method: clinical testing. Allele origin: unknown.

MGZ Medical Genetics Center
Classification: Likely pathogenic for Oculocutaneous albinism type 1A. Last evaluated: 2022-05-03. Review status: criteria provided, single submitter. Criteria: ACMG Guidelines, 2015. Collection method: clinical testing. Allele origin: germline. Affected: yes. Observed: 2 variant alleles.
Comment: ACMG criteria applied: PM3_STR, PS4_MOD, PM2_SUP, PP3

Institute for Clinical Genetics, University Hospital TU Dresden, University Hospital TU Dresden
Classification: Likely pathogenic. Last evaluated: 2021-11-03. Review status: criteria provided, single submitter. Criteria: ACMG Guidelines, 2015. Collection method: clinical testing. Allele origin: germline.

Kariminejad - Najmabadi Pathology & Genetics Center
Classification: Pathogenic for Abnormality of the skin. Last evaluated: 2021-07-10. Review status: criteria provided, single submitter. Criteria: ACMG Guidelines, 2015. Collection method: clinical testing. Allele origin: germline. Affected: yes.

Literature cited by the submitters: PubMed 19060277 (cited by Laboratory of Genetic Epidemiology, Research Centre for Medical Genetics and Labcorp Genetics (formerly Invitae), Labcorp); PubMed 25216246 (cited by Laboratory of Genetic Epidemiology, Research Centre for Medical Genetics and Labcorp Genetics (formerly Invitae), Labcorp); PubMed 26167114 (cited by Laboratory of Genetic Epidemiology, Research Centre for Medical Genetics and Labcorp Genetics (formerly Invitae), Labcorp); PubMed 30472657 (cited by Laboratory of Genetic Epidemiology, Research Centre for Medical Genetics and Labcorp Genetics (formerly Invitae), Labcorp); PubMed 41428507 (cited by Laboratory of Genetic Epidemiology, Research Centre for Medical Genetics).

NM_000372.5(TYR):c.996G>A (p.Met332Ile)

Gene: TYR (tyrosinase; plus strand). Cytogenetic location: 11q14.3.
Variant type: single nucleotide variant.
Coding change: c.996G>A on transcript NM_000372.5 (MANE Select); coding-DNA position 996, G replaced by A.
Protein change: p.Met332Ile; replaces methionine 332 with isoleucine.
Molecular consequence: missense variant.
Genome position (GRCh38, 1-based): chr11:89,191,378, G>A. VCF-style: chr11-89191378-G-A. GRCh37 (hg19) VCF-style: chr11-88924546-G-A.
Other names: c.996G>A (NM_000372.4); short protein forms M332I.
Identifiers: ClinVar variation 1180809 (VCV001180809.25), dbSNP rs2135253415, ClinGen allele CA382036027.